The following is an entry in ClinVar:

NM_024642.5(GALNT12):c.802C>G (p.Leu268Val)

Gene: GALNT12 (polypeptide N-acetylgalactosaminyltransferase 12; plus strand). Cytogenetic location: 9q22.33.
Variant type: single nucleotide variant.
Coding change: c.802C>G on transcript NM_024642.5 (MANE Select); coding-DNA position 802, C replaced by G.
Protein change: p.Leu268Val; replaces leucine 268 with valine.
Molecular consequence: missense variant.
Genome position (GRCh38, 1-based): chr9:98,831,842, C>G. VCF-style: chr9-98831842-C-G. GRCh37 (hg19) VCF-style: chr9-101594124-C-G.
Other names: short protein forms L268V.
Identifiers: ClinVar variation 485654 (VCV000485654.21), dbSNP rs772466597, ClinGen allele CA5154060.

ClinVar aggregate classification (germline): Uncertain significance. Review status: criteria provided, multiple submitters, no conflicts (2 of 4 stars). 4 submissions from 4 submitters: Uncertain significance (4). Last evaluated 2025-08-20.

Conditions:
Colorectal cancer, susceptibility to, 1. Also called: COLORECTAL ADENOMA AND CANCER, SUSCEPTIBILITY TO; COLORECTAL CANCER, SUSCEPTIBILITY TO, ON CHROMOSOME 9. Identifiers: MedGen C1837315, MONDO:0012132, OMIM 608812.

Allele frequency attached by ClinVar (database versions not stated): ExAC 0.00001; gnomAD 0.00001; gnomAD exomes 0.00001; TOPMed 0.00002.
gnomAD v4.1: 60 of 1,614,046 alleles (0.0037%); highest among the groups gnomAD compares: Non-Finnish European, 0.0049%; no homozygotes.

Submissions (4):

Ambry Genetics
Classification: Uncertain significance. Last evaluated: 2025-08-20. Review status: criteria provided, single submitter. Criteria: Ambry Variant Classification Scheme 2023. Collection method: clinical testing. Allele origin: germline.

Labcorp Genetics (formerly Invitae), Labcorp
Classification: Uncertain significance. Last evaluated: 2025-05-07. Review status: criteria provided, single submitter. Criteria: Invitae Variant Classification Sherloc (09022015). Collection method: clinical testing. Allele origin: germline.
Comment: This sequence change replaces leucine, which is neutral and non-polar, with valine, which is neutral and non-polar, at codon 268 of the GALNT12 protein (p.Leu268Val). This variant is present in population databases (rs772466597, gnomAD 0.003%). This variant has not been reported in the literature in individuals affected with GALNT12-related conditions. ClinVar contains an entry for this variant (Variation ID: 485654). Invitae Evidence Modeling of protein sequence and biophysical properties (such as structural, functional, and spatial information, amino acid conservation, physicochemical variation, residue mobility, and thermodynamic stability) indicates that this missense variant is not expected to disrupt GALNT12 protein function with a negative predictive value of 80%. In summary, the available evidence is currently insufficient to determine the role of this variant in disease. Therefore, it has been classified as a Variant of Uncertain Significance.

Fulgent Genetics
Classification: Uncertain significance for Colorectal cancer, susceptibility to, 1. Last evaluated: 2024-04-18. Review status: criteria provided, single submitter. Criteria: ACMG Guidelines, 2015. Collection method: clinical testing. Allele origin: germline.

Baylor Genetics
Classification: Uncertain significance for Colorectal cancer, susceptibility to, 1. Last evaluated: 2024-02-05. Review status: criteria provided, single submitter. Criteria: ACMG Guidelines, 2015. Collection method: clinical testing. Allele origin: unknown.